The following is an entry in ClinVar:

ClinVar aggregate classification (germline): Uncertain significance (1 of 4 stars; one submission).

Allele frequency attached by ClinVar (database versions not stated): gnomAD exomes below 0.00001.
gnomAD v4.1: 1 of 1,613,992 alleles (0.000062%); highest among the groups gnomAD compares: South Asian, 0.0011%; no homozygotes.

Submission:

Labcorp Genetics (formerly Invitae), Labcorp
Classification: Uncertain significance. Last evaluated: 2022-11-04. Review status: criteria provided, single submitter. Criteria: Invitae Variant Classification Sherloc (09022015). Collection method: clinical testing. Allele origin: germline.
Comment: In summary, the available evidence is currently insufficient to determine the role of this variant in disease. Therefore, it has been classified as a Variant of Uncertain Significance. This variant has not been reported in the literature in individuals affected with HYOU1-related conditions. This variant is not present in population databases (gnomAD no frequency). This sequence change affects codon 320 of the HYOU1 mRNA. It is a 'silent' change, meaning that it does not change the encoded amino acid sequence of the HYOU1 protein.

NM_006389.5(HYOU1):c.960C>T (p.Leu320=)

Gene: HYOU1 (hypoxia up-regulated 1; minus strand). Cytogenetic location: 11q23.3.
Variant type: single nucleotide variant.
Coding change: c.960C>T on transcript NM_006389.5 (MANE Select); coding-DNA position 960, C replaced by T.
Protein change: p.Leu320=; no amino-acid change (leucine 320 retained).
Molecular consequence: synonymous variant.
Genome position (GRCh38, 1-based): chr11:119,052,664, G>A on the plus strand (C>T on the coding strand, the complement: HYOU1 is on the minus strand). VCF-style: chr11-119052664-G-A. GRCh37 (hg19) VCF-style: chr11-118923376-G-A.
Other names: c.960C>T, p.Leu320= (NM_001130991.3, NM_001411041.1).
Identifiers: ClinVar variation 3012459 (VCV003012459.3), dbSNP rs2497175381, ClinGen allele CA2616345247.